The following is an entry in ClinVar:

ClinVar aggregate classification (germline): Benign. Review status: criteria provided, multiple submitters, no conflicts (2 of 4 stars). 3 submissions from 3 submitters: Benign (2). 1 of the submissions does not count toward it. Last evaluated 2019-12-31.

Conditions:
TMEM260-related disorder. Also called: TMEM260-related condition.

Allele frequency attached by ClinVar (database versions not stated): gnomAD exomes 0.00065 and 0.00158; ExAC 0.00202; gnomAD 0.00678 and 0.00727; 1000 Genomes Project 0.00679; TOPMed 0.00713; 1000 Genomes Project 30x 0.00718; ESP Exome Variant Server 0.00761.
gnomAD v4.1: 2,022 of 1,614,040 alleles (0.13%); highest among the groups gnomAD compares: African/African-American, 2.4%; 30 homozygotes.

Submissions (3):

Labcorp Genetics (formerly Invitae), Labcorp
Classification: Benign. Last evaluated: 2019-12-31. Review status: criteria provided, single submitter. Criteria: Invitae Variant Classification Sherloc (09022015). Collection method: clinical testing. Allele origin: germline.

Breakthrough Genomics
Classification: Benign. Review status: criteria provided, single submitter. Criteria: ACMG Guidelines, 2015. Collection method: not provided. Allele origin: germline. Inheritance: Autosomal recessive inheritance. Affected: yes.

PreventionGenetics, part of Exact Sciences
Classification: Benign for TMEM260-related condition. Last evaluated: 2020-02-19. Review status: no assertion criteria provided. Collection method: clinical testing. Allele origin: germline. Not counted in ClinVar's aggregate classification.
Comment: This variant is classified as benign based on ACMG/AMP sequence variant interpretation guidelines (Richards et al. 2015 PMID: 25741868, with internal and published modifications).

NM_017799.4(TMEM260):c.789C>T (p.Leu263=)

Gene: TMEM260 (transmembrane protein 260; plus strand). Cytogenetic location: 14q22.3.
Variant type: single nucleotide variant.
Coding change: c.789C>T on transcript NM_017799.4 (MANE Select); coding-DNA position 789, C replaced by T.
Protein change: p.Leu263=; no amino-acid change (leucine 263 retained).
Molecular consequence: synonymous variant.
Genome position (GRCh38, 1-based): chr14:56,609,258, C>T. VCF-style: chr14-56609258-C-T. GRCh37 (hg19) VCF-style: chr14-57075976-C-T.
Identifiers: ClinVar variation 718100 (VCV000718100.7), dbSNP rs10137799, ClinGen allele CA7199857.
Genomic context (GRCh38, chr14:56,609,258, plus strand): 5'-TCACGCCCGGTGGACCTGGGGAGACCAGACAACACTGCAAGGATTTTTGACACATTTTCT[C>T]AGGGAAGAATATGGAACCTTCAGCCTGGTAAATTCAGATTTAAAGCCCTTCTAAGGAAAC-3'
Protein context (NP_060269.3, residues 253-273): TTLQGFLTHF[Leu263=]REEYGTFSLA